The following is an entry in ClinVar:

NM_013296.5(GPSM2):c.185G>A (p.Ser62Asn)

Gene: GPSM2 (G protein signaling modulator 2; plus strand). Cytogenetic location: 1p13.3.
Variant type: single nucleotide variant.
Coding change: c.185G>A on transcript NM_013296.5 (MANE Select); coding-DNA position 185, G replaced by A.
Protein change: p.Ser62Asn; replaces serine 62 with asparagine.
Molecular consequence: missense variant.
Genome position (GRCh38, 1-based): chr1:108,896,992, G>A. VCF-style: chr1-108896992-G-A. GRCh37 (hg19) VCF-style: chr1-109439614-G-A.
Other names: c.185G>A, p.Ser62Asn (NM_001321038.2, NM_001321039.3); short protein forms S62N.
Identifiers: ClinVar variation 4083199 (VCV004083199.1).
Genomic context (GRCh38, chr1:108,896,992, plus strand): 5'-CTGGCGTGTCATTCTTTGAAGCTGCAGTTCAAGTTGGAACTGAAGACCTAAAAACACTTA[G>A]CGCTATTTACAGCCAGTTGGGCAATGCTTATTTCTATTTGCATGATTATGCCAAAGCATT-3'
Protein context (NP_037428.3, residues 52-72): QVGTEDLKTL[Ser62Asn]AIYSQLGNAY

ClinVar aggregate classification (germline): Uncertain significance (1 of 4 stars; one submission).

Submission:

GeneDx
Classification: Uncertain significance. Last evaluated: 2025-03-14. Review status: criteria provided, single submitter. Criteria: GeneDx Variant Classification Process June 2021. Collection method: clinical testing. Allele origin: germline. Affected: yes.
Comment: In silico analysis supports that this missense variant has a deleterious effect on protein structure/function; Has not been previously published as pathogenic or benign to our knowledge